The following is an entry in ClinVar:

NM_022124.6(CDH23):c.5666_5668del (p.Asn1889del)

Gene: CDH23 (cadherin related 23; plus strand). Cytogenetic location: 10q22.1.
Variant type: Deletion.
Coding change: c.5666_5668del on transcript NM_022124.6 (MANE Select); coding-DNA positions 5666 to 5668, 3 bases deleted (ACA; older notation c.5666_5668delACA).
Protein change: p.Asn1889del; deletes asparagine 1889.
Molecular consequence: inframe deletion.
Genome position (GRCh38, 1-based): chr10:71,785,054-71,785,056, ACA deleted; deleting any 3 consecutive bases within chr10:71,785,052-71,785,056 gives the same sequence; the c. name uses the placement nearest the transcript's 3' end. VCF-style (leftmost placement, unchanged base first): chr10-71785051-TCAA-T. GRCh37 (hg19) VCF-style: chr10-73544808-TCAA-T.
Other names: short protein forms N1889del.
Identifiers: ClinVar variation 5019763 (VCV005019763.2).

ClinVar aggregate classification (germline): Uncertain significance (1 of 4 stars; one submission).

Conditions:
Usher syndrome type 1D (USH1D). Also called: USHER SYNDROME, TYPE ID. Identifiers: Orphanet 231169, Orphanet 886, MedGen C1832845, MONDO:0010984, OMIM 601067.
Autosomal recessive nonsyndromic hearing loss 12. Also called: DEAFNESS, AUTOSOMAL RECESSIVE 12. Identifiers: Orphanet 90636, MedGen C1832394, MONDO:0011067, OMIM 601386.
Pituitary adenoma 5, multiple types. Identifiers: MedGen C4539685, MONDO:0054601, OMIM 617540.

Submission:

Juno Genomics, Hangzhou Juno Genomics, Inc
Classification: Uncertain significance for Pituitary adenoma 5, multiple types; Autosomal recessive nonsyndromic hearing loss 12; Usher syndrome type 1D. Review status: criteria provided, single submitter. Criteria: ACMG Guidelines, 2015. Collection method: clinical testing. Allele origin: germline.
Comment: Absent from controls (or at extremely low frequency if recessive) in Genome Aggregation Database.;Protein length changes due to in-frame deletions/insertions in a non-repeat region or stop-loss variants.